The following is an entry in ClinVar:

ClinVar aggregate classification (germline): Uncertain significance (1 of 4 stars; one submission).

Conditions:
RASopathy. Also called: rasopathies; Noonan spectrum disorder. Identifiers: Orphanet 536391, MedGen C5555857, MONDO:0021060.

Submission:

Labcorp Genetics (formerly Invitae), Labcorp
Classification: Uncertain significance for RASopathy. Last evaluated: 2022-05-07. Review status: criteria provided, single submitter. Criteria: Invitae Variant Classification Sherloc (09022015). Collection method: clinical testing. Allele origin: germline.
Comment: In summary, the available evidence is currently insufficient to determine the role of this variant in disease. Therefore, it has been classified as a Variant of Uncertain Significance. Algorithms developed to predict the effect of missense changes on protein structure and function are either unavailable or do not agree on the potential impact of this missense change (SIFT: "Tolerated"; PolyPhen-2: "Possibly Damaging"; Align-GVGD: "Class C0"). This variant has not been reported in the literature in individuals affected with SOS1-related conditions. This variant is not present in population databases (gnomAD no frequency). This sequence change replaces glutamic acid, which is acidic and polar, with aspartic acid, which is acidic and polar, at codon 192 of the SOS1 protein (p.Glu192Asp).

NM_005633.4(SOS1):c.576G>C (p.Glu192Asp)

Gene: SOS1 (SOS Ras/Rac guanine nucleotide exchange factor 1; minus strand). Cytogenetic location: 2p22.1.
Variant type: single nucleotide variant.
Coding change: c.576G>C on transcript NM_005633.4 (MANE Select); coding-DNA position 576, G replaced by C.
Protein change: p.Glu192Asp; replaces glutamic acid 192 with aspartic acid.
Molecular consequence: missense variant.
Genome position (GRCh38, 1-based): chr2:39,054,758, C>G on the plus strand (G>C on the coding strand, the complement: SOS1 is on the minus strand). VCF-style: chr2-39054758-C-G. GRCh37 (hg19) VCF-style: chr2-39281899-C-G.
Other names: c.555G>C, p.Glu185Asp (NM_001382394.1); c.576G>C, p.Glu192Asp (NM_001382395.1); short protein forms E192D, E185D.
Identifiers: ClinVar variation 2134946 (VCV002134946.4), dbSNP rs2465347222, ClinGen allele CA346373217.
Genomic context (GRCh38, chr2:39,054,758, plus strand): 5'-AATTTCTGCCATAAATGCTTTTACCAAATCATAGTAAGTTTGTTCTCCTGAGGTGGAAGG[C>G]TCTTCGTCAGTTAAAGATAATATATTAATATCTTCTACATCTTGATGAAACATATCCATC-3'
Protein context (NP_005624.2, residues 182-202): DINILSLTDE[Glu192Asp]PSTSGEQTYY